The following is an entry in ClinVar:

NM_000382.3(ALDH3A2):c.1023_1026del (p.Val342fs)

Gene: ALDH3A2 (aldehyde dehydrogenase 3 family member A2; plus strand). Cytogenetic location: 17p11.2.
Variant type: Deletion.
Coding change: c.1023_1026del on transcript NM_000382.3 (MANE Select); coding-DNA positions 1023 to 1026, 4 bases deleted (TGTG; older notation c.1023_1026delTGTG).
Protein change: p.Val342fs; shifts the reading frame from valine 342.
Molecular consequence: frameshift variant.
Genome position (GRCh38, 1-based): chr17:19,663,415-19,663,418, TGTG deleted. VCF-style (leftmost placement, unchanged base first): chr17-19663414-CTGTG-C. GRCh37 (hg19) VCF-style: chr17-19566727-CTGTG-C.
Other names: c.1023_1026del, p.Val342fs (NM_001031806.2, NM_001369136.1, NM_001369137.2 and 3 more transcripts); c.444_447del, p.Val149fs (NM_001369148.2); short protein forms V149fs, V342fs.
Identifiers: ClinVar variation 1725824 (VCV001725824.2), dbSNP rs2544389543, ClinGen allele CA2580092699.
Genomic context (GRCh38, chr17:19,663,414, plus strand): 5'-TTGATCCTAAAACCAAGGTGATGCAAGAAGAAATTTTTGGACCAATTCTTCCAATAGTGC[CTGTG>C]AAAAATGTAGATGAGGCCATAAATTTCATAAATGAACGTGAAAAGCCTCTGGCTCTTTAT-3'

ClinVar aggregate classification (germline): Likely pathogenic (1 of 4 stars; one submission).

Conditions:
Sjögren-Larsson syndrome (SLS). Also called: FALDH DEFICIENCY; FATTY ALCOHOL:NAD+ OXIDOREDUCTASE DEFICIENCY; FATTY ALDEHYDE DEHYDROGENASE DEFICIENCY; ICHTHYOSIS, SPASTIC NEUROLOGIC DISORDER, AND OLIGOPHRENIA. Identifiers: Orphanet 816, MedGen C0037231, MONDO:0010031, OMIM 270200.

Submission:

Myriad Genetics, Inc.
Classification: Likely pathogenic for Sjögren-Larsson syndrome. Last evaluated: 2022-04-02. Review status: criteria provided, single submitter. Criteria: Myriad Women's Health Autosomal Recessive and X-Linked Classification Criteria (2021). Collection method: clinical testing. Allele origin: unknown.
Comment: NM_000382.2(ALDH3A2):c.1023_1026delTGTG(V342Kfs*3) is expected to be pathogenic in the context of Sjogren-Larsson syndrome. This variant is predicted to lead to an abnormal or absent protein product due to the creation of a premature termination codon in ALDH3A2, a gene where loss-of-function variants are known to be pathogenic. Please note: this variant was assessed in the context of healthy population screening.